The following is an entry in ClinVar:

NM_004281.4(BAG3):c.335A>G (p.His112Arg)

Gene: BAG3 (BAG cochaperone 3; plus strand). Cytogenetic location: 10q26.11.
Variant type: single nucleotide variant.
Coding change: c.335A>G on transcript NM_004281.4 (MANE Select); coding-DNA position 335, A replaced by G.
Protein change: p.His112Arg; replaces histidine 112 with arginine.
Molecular consequence: missense variant.
Genome position (GRCh38, 1-based): chr10:119,670,005, A>G. VCF-style: chr10-119670005-A-G. GRCh37 (hg19) VCF-style: chr10-121429517-A-G.
Other names: short protein forms H112R.
Identifiers: ClinVar variation 2162502 (VCV002162502.4), dbSNP rs771196620, ClinGen allele CA5716299.

ClinVar aggregate classification (germline): Uncertain significance (1 of 4 stars; one submission).

Conditions:
Myofibrillar myopathy 6. Identifiers: Orphanet 199340, MedGen C2751831, MONDO:0013061, OMIM 612954.
Dilated cardiomyopathy 1HH (CMD1HH). Identifiers: Orphanet 154, MedGen C3151293, MONDO:0013479, OMIM 613881.

Allele frequency attached by ClinVar (database versions not stated): ExAC 0.00001.

Submission:

Labcorp Genetics (formerly Invitae), Labcorp
Classification: Uncertain significance for Dilated cardiomyopathy 1HH; Myofibrillar myopathy 6. Last evaluated: 2024-08-05. Review status: criteria provided, single submitter. Criteria: Invitae Variant Classification Sherloc (09022015). Collection method: clinical testing. Allele origin: germline.
Comment: This sequence change replaces histidine, which is basic and polar, with arginine, which is basic and polar, at codon 112 of the BAG3 protein (p.His112Arg). This variant is present in population databases (rs771196620, gnomAD 0.006%). This variant has not been reported in the literature in individuals affected with BAG3-related conditions. ClinVar contains an entry for this variant (Variation ID: 2162502). Advanced modeling of protein sequence and biophysical properties (such as structural, functional, and spatial information, amino acid conservation, physicochemical variation, residue mobility, and thermodynamic stability) performed at Invitae indicates that this missense variant is not expected to disrupt BAG3 protein function with a negative predictive value of 80%. In summary, the available evidence is currently insufficient to determine the role of this variant in disease. Therefore, it has been classified as a Variant of Uncertain Significance.